The following is an entry in ClinVar:

NM_004006.3(DMD):c.2233C>T (p.Pro745Ser)

Gene: DMD (dystrophin; minus strand). Cytogenetic location: Xp21.1.
Variant type: single nucleotide variant.
Coding change: c.2233C>T on transcript NM_004006.3 (MANE Select); coding-DNA position 2233, C replaced by T.
Protein change: p.Pro745Ser; replaces proline 745 with serine.
Molecular consequence: missense variant.
Genome position (GRCh38, 1-based): chrX:32,518,067, G>A on the plus strand (C>T on the coding strand, the complement: DMD is on the minus strand). VCF-style: chrX-32518067-G-A. GRCh37 (hg19) VCF-style: chrX-32536184-G-A.
Other names: c.2209C>T, p.Pro737Ser (NM_000109.4); c.2221C>T, p.Pro741Ser (NM_004009.3); c.1864C>T, p.Pro622Ser (NM_004010.3); short protein forms P622S, P745S, P741S, P737S.
Identifiers: ClinVar variation 1492423 (VCV001492423.5), dbSNP rs1435295333, ClinGen allele CA412663895.

ClinVar aggregate classification (germline): Uncertain significance (1 of 4 stars; one submission).

Conditions:
Duchenne muscular dystrophy (DMD). Also called: Duchenne Muscular Dystrophy (DMD); MUSCULAR DYSTROPHY, PSEUDOHYPERTROPHIC PROGRESSIVE, DUCHENNE TYPE. Identifiers: Orphanet 98896, MedGen C0013264, MONDO:0010679, OMIM 310200.

Submission:

Labcorp Genetics (formerly Invitae), Labcorp
Classification: Uncertain significance for Duchenne muscular dystrophy. Last evaluated: 2022-06-20. Review status: criteria provided, single submitter. Criteria: Invitae Variant Classification Sherloc (09022015). Collection method: clinical testing. Allele origin: germline.
Comment: This sequence change replaces proline, which is neutral and non-polar, with serine, which is neutral and polar, at codon 745 of the DMD protein (p.Pro745Ser). This variant is not present in population databases (gnomAD no frequency). This variant has not been reported in the literature in individuals affected with DMD-related conditions. Algorithms developed to predict the effect of missense changes on protein structure and function output the following: SIFT: "Tolerated"; PolyPhen-2: "Probably Damaging"; Align-GVGD: "Class C0". The serine amino acid residue is found in multiple mammalian species, which suggests that this missense change does not adversely affect protein function. In summary, the available evidence is currently insufficient to determine the role of this variant in disease. Therefore, it has been classified as a Variant of Uncertain Significance.